The following is an entry in ClinVar:

ClinVar aggregate classification (germline): Uncertain significance. Review status: criteria provided, multiple submitters, no conflicts (2 of 4 stars). 6 submissions from 6 submitters: Uncertain significance (6). Last evaluated 2025-08-30.

Conditions:
Cardiovascular phenotype. Identifiers: MedGen CN230736.
Dilated cardiomyopathy 1Z (CMD1Z). Identifiers: Orphanet 154, MedGen C2678475, MONDO:0012745, OMIM 611879.
Hypertrophic cardiomyopathy 13. Also called: TNNC1-Related Familial Hypertrophic Cardiomyopathy. Identifiers: MedGen C2750472, MONDO:0013195, OMIM 613243.
Cardiomyopathy (CMYO). Also called: Cardiomyopathies. Identifiers: Orphanet 167848, MedGen C0878544, MONDO:0004994, HP:0001638. Inheritance: Various modes of inheritance.

Submissions (6):

Labcorp Genetics (formerly Invitae), Labcorp
Classification: Uncertain significance for Hypertrophic cardiomyopathy 13; Dilated cardiomyopathy 1Z. Last evaluated: 2025-08-30. Review status: criteria provided, single submitter. Criteria: Invitae Variant Classification Sherloc (09022015). Collection method: clinical testing. Allele origin: germline.
Comment: This sequence change replaces aspartic acid, which is acidic and polar, with asparagine, which is neutral and polar, at codon 25 of the TNNC1 protein (p.Asp25Asn). This variant is not present in population databases (gnomAD no frequency). This variant has not been reported in the literature in individuals affected with TNNC1-related conditions. ClinVar contains an entry for this variant (Variation ID: 181571). An algorithm developed to predict the effect of missense changes on protein structure and function (PolyPhen-2) suggests that this variant is likely to be tolerated. In summary, the available evidence is currently insufficient to determine the role of this variant in disease. Therefore, it has been classified as a Variant of Uncertain Significance.

Ambry Genetics
Classification: Uncertain significance for Cardiovascular phenotype. Last evaluated: 2025-06-24. Review status: criteria provided, single submitter. Criteria: Ambry Variant Classification Scheme 2023. Collection method: clinical testing. Allele origin: germline.
Comment: The p.D25N variant (also known as c.73G>A), located in coding exon 3 of the TNNC1 gene, results from a G to A substitution at nucleotide position 73. The aspartic acid at codon 25 is replaced by asparagine, an amino acid with highly similar properties. This variant was reported in pediatric individual(s) with dilated cardiomyopathy (Ware SM et al. Am J Hum Genet, 2022 Feb;109:282-298; Hirono K et al. Sci Rep, 2024 Dec;14:30469). This amino acid position is highly conserved in available vertebrate species. In addition, the in silico prediction for this alteration is inconclusive. Based on the available evidence, the clinical significance of this variant remains unclear.

Blueprint Genetics
Classification: Uncertain significance. Last evaluated: 2024-05-03. Review status: criteria provided, single submitter. Criteria: ACMG Guidelines, 2015. Collection method: clinical testing. Allele origin: germline.

GeneDx
Classification: Uncertain significance. Last evaluated: 2024-02-16. Review status: criteria provided, single submitter. Criteria: GeneDx Variant Classification Process June 2021. Collection method: clinical testing. Allele origin: germline. Affected: yes.
Comment: Has not been previously published as pathogenic or benign to our knowledge; Not observed at significant frequency in large population cohorts (gnomAD); In silico analysis supports that this missense variant does not alter protein structure/function

CHEO Genetics Diagnostic Laboratory, Children's Hospital of Eastern Ontario
Classification: Uncertain significance for Cardiomyopathy. Last evaluated: 2019-09-05. Review status: criteria provided, single submitter. Criteria: ACMG Guidelines, 2015. Collection method: clinical testing. Allele origin: germline. Study: Canadian Open Genetics Repository.

Baylor Genetics
Classification: Uncertain significance for Dilated cardiomyopathy 1Z. Last evaluated: 2019-04-22. Review status: criteria provided, single submitter. Criteria: ACMG Guidelines, 2015. Collection method: clinical testing. Allele origin: maternal. Affected: yes.
Comment: This variant was determined to be of uncertain significance according to ACMG Guidelines, 2015 [PMID:25741868].

Literature cited by the submitters: PubMed 35026164 (cited by Ambry Genetics); PubMed 39681577 (cited by Ambry Genetics).

NM_003280.3(TNNC1):c.73G>A (p.Asp25Asn)

Gene: TNNC1 (troponin C1, slow skeletal and cardiac type; minus strand). Cytogenetic location: 3p21.1.
Variant type: single nucleotide variant.
Coding change: c.73G>A on transcript NM_003280.3 (MANE Select); coding-DNA position 73, G replaced by A.
Protein change: p.Asp25Asn; replaces aspartic acid 25 with asparagine.
Molecular consequence: missense variant.
Genome position (GRCh38, 1-based): chr3:52,452,235, C>T on the plus strand (G>A on the coding strand, the complement: TNNC1 is on the minus strand). VCF-style: chr3-52452235-C-T. GRCh37 (hg19) VCF-style: chr3-52486251-C-T.
Other names: p.D25N:GAC>AAC; c.73G>A (LRG_378t1); short protein forms D25N.
Identifiers: ClinVar variation 181571 (VCV000181571.16), dbSNP rs730881064, ClinGen allele CA297340.